The following is an entry in ClinVar:

NM_001036.6(RYR3):c.9056-2A>G

Gene: RYR3 (ryanodine receptor 3; plus strand). Cytogenetic location: 15q14.
Variant type: single nucleotide variant.
Coding change: c.9056-2A>G on transcript NM_001036.6 (MANE Select); the canonical splice acceptor site of the intron before coding-DNA position 9056, A replaced by G.
Molecular consequence: splice acceptor variant.
Genome position (GRCh38, 1-based): chr15:33,773,532, A>G. VCF-style: chr15-33773532-A-G. GRCh37 (hg19) VCF-style: chr15-34065733-A-G.
Other names: c.9056-2A>G (NM_001243996.4).
Identifiers: ClinVar variation 848891 (VCV000848891.8), dbSNP rs2073772349, ClinGen allele CA391589150.

ClinVar aggregate classification (germline): Uncertain significance (1 of 4 stars; one submission).

Conditions:
Epileptic encephalopathy. Identifiers: MedGen C0543888, HP:0200134.

Submission:

Labcorp Genetics (formerly Invitae), Labcorp
Classification: Uncertain significance for Epileptic encephalopathy. Last evaluated: 2022-06-13. Review status: criteria provided, single submitter. Criteria: Invitae Variant Classification Sherloc (09022015). Collection method: clinical testing. Allele origin: germline.
Comment: This variant has not been reported in the literature in individuals affected with RYR3-related conditions. In summary, the available evidence is currently insufficient to determine the role of this variant in disease. Therefore, it has been classified as a Variant of Uncertain Significance. Algorithms developed to predict the effect of sequence changes on RNA splicing suggest that this variant may disrupt the consensus splice site. ClinVar contains an entry for this variant (Variation ID: 848891). This variant is not present in population databases (gnomAD no frequency). This sequence change affects an acceptor splice site in intron 63 of the RYR3 gene. It is expected to disrupt RNA splicing. Variants that disrupt the donor or acceptor splice site typically lead to a loss of protein function (PMID: 16199547), however the current clinical and genetic evidence is not sufficient to establish whether loss-of-function variants in RYR3 cause disease.

Literature cited by the submitters: PubMed 16199547.